The following is an entry in ClinVar:

NM_000368.5(TSC1):c.2254G>C (p.Val752Leu)

Gene: TSC1 (TSC complex subunit 1; minus strand). Cytogenetic location: 9q34.13.
Variant type: single nucleotide variant.
Coding change: c.2254G>C on transcript NM_000368.5 (MANE Select); coding-DNA position 2254, G replaced by C.
Protein change: p.Val752Leu; replaces valine 752 with leucine.
Molecular consequence: missense variant. On other transcripts: non-coding transcript variant (5).
Genome position (GRCh38, 1-based): chr9:132,902,742, C>G on the plus strand (G>C on the coding strand, the complement: TSC1 is on the minus strand). VCF-style: chr9-132902742-C-G. GRCh37 (hg19) VCF-style: chr9-135778129-C-G.
Other names: c.2236G>C, p.Val746Leu (NM_001406603.1, NM_001406604.1); c.2254G>C, p.Val752Leu (NM_001406605.1, NM_001406606.1, NM_001406607.1 and 5 more transcripts); c.2251G>C, p.Val751Leu (NM_001406608.1, NM_001406609.1, NM_001162426.2 and 4 more transcripts); c.2101G>C, p.Val701Leu (NM_001406610.1, NM_001162427.2); c.2098G>C, p.Val700Leu (NM_001406611.1, NM_001406612.1, NM_001406613.1); c.1891G>C, p.Val631Leu (NM_001362177.2, NM_001406614.1, NM_001406615.1 and 5 more transcripts); c.2239G>C, p.Val747Leu (NM_001406601.1, NM_001406602.1); c.1888G>C, p.Val630Leu (NM_001406620.1, NM_001406621.1, NM_001406622.1 and 2 more transcripts); and 3 more; short protein forms V401L, V630L, V631L, V747L, V751L, V435L, V746L, V434L.
Identifiers: ClinVar variation 2700475 (VCV002700475.3), dbSNP rs765643529, ClinGen allele CA375359885.

ClinVar aggregate classification (germline): Uncertain significance (1 of 4 stars; one submission).

Conditions:
Tuberous sclerosis 1 (TSC1). Identifiers: Orphanet 805, MedGen C1854465, MONDO:0008612, OMIM 191100.

Submission:

Labcorp Genetics (formerly Invitae), Labcorp
Classification: Uncertain significance for Tuberous sclerosis 1. Last evaluated: 2023-12-02. Review status: criteria provided, single submitter. Criteria: Invitae Variant Classification Sherloc (09022015). Collection method: clinical testing. Allele origin: germline.
Comment: This sequence change replaces valine, which is neutral and non-polar, with leucine, which is neutral and non-polar, at codon 752 of the TSC1 protein (p.Val752Leu). This variant is not present in population databases (gnomAD no frequency). This variant has not been reported in the literature in individuals affected with TSC1-related conditions. Advanced modeling of protein sequence and biophysical properties (such as structural, functional, and spatial information, amino acid conservation, physicochemical variation, residue mobility, and thermodynamic stability) performed at Invitae indicates that this missense variant is not expected to disrupt TSC1 protein function with a negative predictive value of 95%. In summary, the available evidence is currently insufficient to determine the role of this variant in disease. Therefore, it has been classified as a Variant of Uncertain Significance.